The following is an entry in ClinVar:

ClinVar aggregate classification (germline): Uncertain significance. Review status: criteria provided, multiple submitters, no conflicts (2 of 4 stars). 2 submissions from 2 submitters: Uncertain significance (2). Last evaluated 2023-06-23.

Conditions:
Capillary malformation-arteriovenous malformation 2 (CMAVM2). Identifiers: Orphanet 693912, MedGen C4748670, MONDO:0020785, OMIM 618196.

Submissions (2):

Labcorp Genetics (formerly Invitae), Labcorp
Classification: Uncertain significance. Last evaluated: 2023-06-23. Review status: criteria provided, single submitter. Criteria: Invitae Variant Classification Sherloc (09022015). Collection method: clinical testing. Allele origin: germline.
Comment: This sequence change replaces proline, which is neutral and non-polar, with arginine, which is basic and polar, at codon 789 of the EPHB4 protein (p.Pro789Arg). This variant is not present in population databases (gnomAD no frequency). This missense change has been observed in individual(s) with capillary malformation–arteriovenous malformation (PMID: 28687708). ClinVar contains an entry for this variant (Variation ID: 691544). Advanced modeling of protein sequence and biophysical properties (such as structural, functional, and spatial information, amino acid conservation, physicochemical variation, residue mobility, and thermodynamic stability) performed at Invitae indicates that this missense variant is expected to disrupt EPHB4 protein function. In summary, the available evidence is currently insufficient to determine the role of this variant in disease. Therefore, it has been classified as a Variant of Uncertain Significance.

SIB Swiss Institute of Bioinformatics
Classification: Uncertain significance for Capillary malformation-arteriovenous malformation 2. Last evaluated: 2019-03-29. Review status: criteria provided, single submitter. Criteria: ACMG Guidelines, 2015. Collection method: curation. Allele origin: unknown.
Comment: This variant is interpreted as a Uncertain significance for Capillary malformation-arteriovenous malformation 2. The following ACMG Tag(s) were applied: PP3: Multiple lines of computational evidence support a deleterious effect on the gene or gene product. PM2: Absent from controls (or at extremely low frequency if recessive) in Exome Sequencing Project, 1000 Genomes Project, or Exome Aggregation Consortium. PM1: Located in a mutational hot spot and/or critical and well-established functional domain (e.g., active site of an enzyme) without benign variation.

Literature cited by the submitters: PubMed 28687708 (cited by Labcorp Genetics (formerly Invitae), Labcorp and SIB Swiss Institute of Bioinformatics).

NM_004444.5(EPHB4):c.2366C>G (p.Pro789Arg)

Genes: EPHB4 (EPH receptor B4; minus strand), LOC126860124 (CDK7 strongly-dependent group 2 enhancer GRCh37_chr7:100403701-100404900; plus strand). Cytogenetic location: 7q22.1.
Variant type: single nucleotide variant.
Coding change: c.2366C>G on transcript NM_004444.5 (MANE Select); coding-DNA position 2366, C replaced by G.
Protein change: p.Pro789Arg; replaces proline 789 with arginine.
Molecular consequence: missense variant.
Genome position (GRCh38, 1-based): chr7:100,806,538, G>C on the plus strand (C>G on the coding strand, the complement: EPHB4 is on the minus strand). VCF-style: chr7-100806538-G-C. GRCh37 (hg19) VCF-style: chr7-100404160-G-C.
Other names: short protein forms P789R.
Identifiers: ClinVar variation 691544 (VCV000691544.4), dbSNP rs753075600, ClinGen allele CA368567858.
Genomic context (GRCh38, chr7:100,806,538, plus strand): 5'-ACAATCCCGTAACTCCAGGCATCACTGGCGGAAGTGAACTTCCGGAAGGCAATGGCCTCC[G>C]GGGCAGTCCATCGGATGGGAATCTTTCCTCCCTGCAGAAAAAGGAGAAAAGGTGAGCTGG-3'
Protein context (NP_004435.3, residues 779-799): GGKIPIRWTA[Pro789Arg]EAIAFRKFTS